The following is an entry in ClinVar:

NM_000135.4(FANCA):c.2223-133T>G

Gene: FANCA (FA complementation group A; minus strand). Cytogenetic location: 16q24.3.
Variant type: single nucleotide variant.
Coding change: c.2223-133T>G on transcript NM_000135.4 (MANE Select); 133 bases into the intron before coding-DNA position 2223, T replaced by G.
Molecular consequence: intron variant.
Genome position (GRCh38, 1-based): chr16:89,770,392, A>C on the plus strand (T>G on the coding strand, the complement: FANCA is on the minus strand). VCF-style: chr16-89770392-A-C. GRCh37 (hg19) VCF-style: chr16-89836800-A-C.
Other names: c.2223-133T>G (NM_000135.2, NM_001286167.3).
Identifiers: ClinVar variation 3025630 (VCV003025630.24), dbSNP rs144806839, ClinGen allele CA286565150.

ClinVar aggregate classification (germline): Likely benign. Review status: criteria provided, multiple submitters, no conflicts (2 of 4 stars). 3 submissions from 3 submitters: Likely benign (2). 1 of the submissions does not count toward it. Last evaluated 2024-10-28.

Conditions:
FANCA-related disorder. Also called: FANCA-related condition.

Allele frequency attached by ClinVar (database versions not stated): gnomAD 0.00052; 1000 Genomes Project 30x 0.00109; 1000 Genomes Project 0.00120.
gnomAD v4.1: 398 of 1,043,530 alleles (0.038%); highest among the groups gnomAD compares: East Asian, 0.94%; 2 homozygotes.

Submissions (3):

Blueprint Genetics
Classification: Likely benign. Last evaluated: 2024-10-28. Review status: criteria provided, single submitter. Criteria: ACMG Guidelines, 2015. Collection method: clinical testing. Allele origin: germline.

CeGaT Center for Human Genetics Tuebingen
Classification: Likely benign. Last evaluated: 2024-05-01. Review status: criteria provided, single submitter. Criteria: CeGaT Center For Human Genetics Tuebingen Variant Classification Criteria Version 2. Collection method: clinical testing. Allele origin: germline. Affected: yes. Observed: 3 variant alleles.
Comment: FANCA: BS1

PreventionGenetics, part of Exact Sciences
Classification: Likely benign for FANCA-related condition. Last evaluated: 2019-02-22. Review status: no assertion criteria provided. Collection method: clinical testing. Allele origin: germline. Not counted in ClinVar's aggregate classification.
Comment: This variant is classified as likely benign based on ACMG/AMP sequence variant interpretation guidelines (Richards et al. 2015 PMID: 25741868, with internal and published modifications).